The following is an entry in ClinVar:

ClinVar aggregate classification (germline): Uncertain significance (0 of 4 stars; one submission).

Conditions:
PLXNA4-related disorder. Also called: PLXNA4-related condition.

Allele frequency attached by ClinVar (database versions not stated): gnomAD 0.00004; TOPMed 0.00005; ExAC 0.00006; ESP Exome Variant Server 0.00008.
gnomAD v4.1: 111 of 1,613,596 alleles (0.0069%); highest among the groups gnomAD compares: East Asian, 0.078%; no homozygotes.

Submission:

PreventionGenetics, part of Exact Sciences
Classification: Uncertain significance for PLXNA4-related condition. Last evaluated: 2024-07-07. Review status: no assertion criteria provided. Collection method: clinical testing. Allele origin: germline.
Comment: The PLXNA4 c.2812C>T variant is predicted to result in the amino acid substitution p.Arg938Trp. To our knowledge, this variant has not been reported in the literature. This variant is reported in 0.031% of alleles in individuals of East Asian descent in gnomAD. At this time, the clinical significance of this variant is uncertain due to the absence of conclusive functional and genetic evidence.

NM_020911.2(PLXNA4):c.2812C>T (p.Arg938Trp)

Gene: PLXNA4 (plexin A4; minus strand). Cytogenetic location: 7q32.3.
Variant type: single nucleotide variant.
Coding change: c.2812C>T on transcript NM_020911.2 (MANE Select); coding-DNA position 2812, C replaced by T.
Protein change: p.Arg938Trp; replaces arginine 938 with tryptophan.
Molecular consequence: missense variant.
Genome position (GRCh38, 1-based): chr7:132,194,106, G>A on the plus strand (C>T on the coding strand, the complement: PLXNA4 is on the minus strand). VCF-style: chr7-132194106-G-A. GRCh37 (hg19) VCF-style: chr7-131878865-G-A.
Other names: c.2812C>T, p.Arg938Trp (NM_001393897.1); short protein forms R938W.
Identifiers: ClinVar variation 3061642 (VCV003061642.2), dbSNP rs201566452, ClinGen allele CA4489683.